The following is an entry in ClinVar:

NM_018834.6(MATR3):c.355G>C (p.Ala119Pro)

Gene: MATR3 (matrin 3; plus strand). Cytogenetic location: 5q31.2.
Variant type: single nucleotide variant.
Coding change: c.355G>C on transcript NM_018834.6 (MANE Select); coding-DNA position 355, G replaced by C.
Protein change: p.Ala119Pro; replaces alanine 119 with proline.
Molecular consequence: missense variant. On other transcripts: intron variant (11).
Genome position (GRCh38, 1-based): chr5:139,307,770, G>C. VCF-style: chr5-139307770-G-C. GRCh37 (hg19) VCF-style: chr5-138643459-G-C.
Other names: c.355G>C, p.Ala119Pro (NM_001194954.2, NM_001194955.2, NM_001400441.1 and 16 more transcripts); c.52-6905G>C (NM_001400459.1); c.-102-6905G>C (NM_001400463.1, NM_001400460.1, NM_001282278.2 and 3 more transcripts); c.-40-7927G>C (NM_001400462.1, NM_001400467.1); c.13-6905G>C (NM_001400461.1); c.49-6905G>C (NM_001194956.2); short protein forms A119P.
Identifiers: ClinVar variation 4696901 (VCV004696901.1).

ClinVar aggregate classification (germline): Uncertain significance (1 of 4 stars; one submission).

Conditions:
Amyotrophic lateral sclerosis type 21. Also called: VOCAL CORD AND PHARYNGEAL DYSFUNCTION WITH DISTAL MYOPATHY; MYOPATHY, DISTAL, 2. Identifiers: Orphanet 600, Orphanet 803, MedGen C3807521, MONDO:0011632, OMIM 606070.

Submission:

Labcorp Genetics (formerly Invitae), Labcorp
Classification: Uncertain significance for Amyotrophic lateral sclerosis type 21. Last evaluated: 2025-04-03. Review status: criteria provided, single submitter. Criteria: Invitae Variant Classification Sherloc (09022015). Collection method: clinical testing. Allele origin: germline.
Comment: This sequence change replaces alanine, which is neutral and non-polar, with proline, which is neutral and non-polar, at codon 119 of the MATR3 protein (p.Ala119Pro). This variant is not present in population databases (gnomAD no frequency). This variant has not been reported in the literature in individuals affected with MATR3-related conditions. Invitae Evidence Modeling of protein sequence and biophysical properties (such as structural, functional, and spatial information, amino acid conservation, physicochemical variation, residue mobility, and thermodynamic stability) indicates that this missense variant is not expected to disrupt MATR3 protein function with a negative predictive value of 80%. In summary, the available evidence is currently insufficient to determine the role of this variant in disease. Therefore, it has been classified as a Variant of Uncertain Significance.